The following is an entry in ClinVar:

NM_000342.4(SLC4A1):c.336_337del (p.Arg112fs)

Gene: SLC4A1 (solute carrier family 4 member 1 (Diego blood group); minus strand). Cytogenetic location: 17q21.31.
Variant type: Microsatellite.
Coding change: c.336_337del on transcript NM_000342.4 (MANE Select); coding-DNA positions 336 to 337, 2 bases deleted (AG; older notation c.336_337delAG).
Protein change: p.Arg112fs; shifts the reading frame from arginine 112.
Molecular consequence: frameshift variant.
Genome position (GRCh38, 1-based): chr17:44,260,647-44,260,648, CT deleted on the plus strand (AG on the coding strand, the reverse complement: SLC4A1 is on the minus strand); deleting any 2 consecutive bases within chr17:44,260,647-44,260,650 gives the same sequence; the c. name uses the placement nearest the transcript's 3' end. VCF-style (leftmost placement, unchanged base first): chr17-44260646-ACT-A. GRCh37 (hg19) VCF-style: chr17-42338014-ACT-A.
Other names: p.Arg112Serfs*30; short protein forms R112fs.
Identifiers: ClinVar variation 4542175 (VCV004542175.3).

ClinVar aggregate classification (germline): Pathogenic/Likely pathogenic. Review status: criteria provided, multiple submitters, no conflicts (2 of 4 stars). 3 submissions from 3 submitters: Pathogenic (2); Likely pathogenic (1). Last evaluated 2025-10-26.

Submissions (3):

Labcorp Genetics (formerly Invitae), Labcorp
Classification: Pathogenic. Last evaluated: 2025-10-26. Review status: criteria provided, single submitter. Criteria: Invitae Variant Classification Sherloc (09022015). Collection method: clinical testing. Allele origin: germline.
Comment: This sequence change creates a premature translational stop signal (p.Arg112Serfs*30) in the SLC4A1 gene. It is expected to result in an absent or disrupted protein product. Loss-of-function variants in SLC4A1 are known to be pathogenic (PMID: 8943874, 10926824, 23255290). This variant is not present in population databases (gnomAD no frequency). This variant has not been reported in the literature in individuals affected with SLC4A1-related conditions. For these reasons, this variant has been classified as Pathogenic.

ARUP Laboratories, Molecular Genetics and Genomics, ARUP Laboratories
Classification: Pathogenic. Last evaluated: 2025-05-28. Review status: criteria provided, single submitter. Criteria: ARUP Molecular Germline Variant Investigation Process 2024. Collection method: clinical testing. Allele origin: germline.
Comment: The SLC4A1 c.336_337del; p.Arg112SerfsTer30 variant is reported in the literature in an individual affected with spherocytosis (Yawata 2000). This variant is absent from the Genome Aggregation Database (v2.1.1), indicating it is not a common polymorphism. This variant causes a frameshift by deleting two nucleotides, so it is predicted to result in a truncated protein or mRNA subject to nonsense-mediated decay. Based on available information, this variant is considered to be pathogenic. References: Y. Yawata et al., Characteristic features of the genotype and phenotype of hereditary spherocytosis in the Japanese population. Int J Hematol 2000. PMID: 10745622.

Mayo Clinic Laboratories, Mayo Clinic
Classification: Likely pathogenic. Last evaluated: 2025-03-26. Review status: criteria provided, single submitter. Criteria: ACMG Guidelines, 2015. Collection method: clinical testing. Allele origin: germline. Observed: 1 variant allele.
Comment: PM2_supporting, PVS1

Literature cited by the submitters: PubMed 8943874 (cited by Labcorp Genetics (formerly Invitae), Labcorp); PubMed 10926824 (cited by Labcorp Genetics (formerly Invitae), Labcorp); PubMed 23255290 (cited by Labcorp Genetics (formerly Invitae), Labcorp); PubMed 10745622 (cited by Mayo Clinic Laboratories, Mayo Clinic).